The following is an entry in ClinVar:

ClinVar aggregate classification (germline): Uncertain significance (1 of 4 stars; one submission).

Conditions:
Cardiovascular phenotype. Identifiers: MedGen CN230736.

Submission:

Ambry Genetics
Classification: Uncertain significance for Cardiovascular phenotype. Last evaluated: 2023-04-06. Review status: criteria provided, single submitter. Criteria: Ambry Variant Classification Scheme 2023. Collection method: clinical testing. Allele origin: germline.
Comment: The c.6446_6447delTG variant, located in coding exon 27 of the AKAP9 gene, results from a deletion of two nucleotides at nucleotide positions 6446 to 6447, causing a translational frameshift with a predicted alternate stop codon (p.L2149Rfs*33). This alteration is expected to result in protein truncation or nonsense-mediated mRNA decay. However, the evidence for this gene-disease relationship is limited; therefore, the clinical significance of this alteration is unclear.

NM_005751.5(AKAP9):c.6446_6447del (p.Leu2149fs)

Gene: AKAP9 (A-kinase anchoring protein 9; plus strand). Cytogenetic location: 7q21.2.
Variant type: Deletion.
Coding change: c.6446_6447del on transcript NM_005751.5 (MANE Select); coding-DNA positions 6446 to 6447, 2 bases deleted (TG; older notation c.6446_6447delTG).
Protein change: p.Leu2149fs; shifts the reading frame from leucine 2149.
Molecular consequence: frameshift variant.
Genome position (GRCh38, 1-based): chr7:92,070,145-92,070,146, TG deleted. VCF-style (leftmost placement, unchanged base first): chr7-92070144-CTG-C. GRCh37 (hg19) VCF-style: chr7-91699458-CTG-C.
Other names: c.1091_1092del, p.Leu364fs (NM_001379277.1); c.6446_6447del, p.Leu2149fs (NM_147185.3); short protein forms L364fs, L2149fs.
Identifiers: ClinVar variation 2564453 (VCV002564453.2), dbSNP rs2535218674, ClinGen allele CA2580615915.